The following is an entry in ClinVar:

NM_001999.4(FBN2):c.3976G>A (p.Val1326Ile)

Gene: FBN2 (fibrillin 2; minus strand). Cytogenetic location: 5q23.3.
Variant type: single nucleotide variant.
Coding change: c.3976G>A on transcript NM_001999.4 (MANE Select); coding-DNA position 3976, G replaced by A.
Protein change: p.Val1326Ile; replaces valine 1326 with isoleucine.
Molecular consequence: missense variant.
Genome position (GRCh38, 1-based): chr5:128,334,842, C>T on the plus strand (G>A on the coding strand, the complement: FBN2 is on the minus strand). VCF-style: chr5-128334842-C-T. GRCh37 (hg19) VCF-style: chr5-127670534-C-T.
Other names: short protein forms V1326I.
Identifiers: ClinVar variation 450939 (VCV000450939.2), dbSNP rs763789417, ClinGen allele CA3395078.

ClinVar aggregate classification (germline): Uncertain significance (1 of 4 stars; one submission).

Allele frequency attached by ClinVar (database versions not stated): gnomAD exomes below 0.00001; ExAC 0.00001; gnomAD 0.00001.
gnomAD v4.1: 7 of 1,611,190 alleles (0.00043%); highest among the groups gnomAD compares: Admixed American, 0.0017%; no homozygotes.

Submission:

GeneDx
Classification: Uncertain significance. Last evaluated: 2017-07-28. Review status: criteria provided, single submitter. Criteria: GeneDx Variant Classification (06012015). Collection method: clinical testing. Allele origin: germline. Affected: yes.
Comment: A variant of uncertain significance has been identified in the FBN2 gene. The V1326I variant has not been published as pathogenic or been reported as benign to our knowledge. This variant is not observed at a significant frequency in large population cohorts (Lek et al., 2016; 1000 Genomes Consortium et al., 2015; Exome Variant Server). This substitution occurs within a calcium-binding EGF-like domain of the FBN2 gene, at a position that is conserved across species. In silico analysis predicts this variant is probably damaging to the protein structure/function. However, V1326I is a conservative amino acid substitution, which is not likely to impact secondary protein structure as these residues share similar properties. Additionally, V1326I does not affect a Cysteine residue within a calcium-binding EGF-like domain of the FBN2 gene. Cysteine substitutions in the calcium-binding EGF-like domains represent the majority of pathogenic missense changes associated with FBN2-related disorders (Frederic et al., 2009).